The following is an entry in ClinVar:

NM_003482.4(KMT2D):c.16521+7G>A

Gene: KMT2D (lysine methyltransferase 2D; minus strand). Cytogenetic location: 12q13.12.
Variant type: single nucleotide variant.
Coding change: c.16521+7G>A on transcript NM_003482.4 (MANE Select); 7 bases into the intron after coding-DNA position 16521, G replaced by A.
Molecular consequence: intron variant.
Genome position (GRCh38, 1-based): chr12:49,022,036, C>T on the plus strand (G>A on the coding strand, the complement: KMT2D is on the minus strand). VCF-style: chr12-49022036-C-T. GRCh37 (hg19) VCF-style: chr12-49415819-C-T.
Identifiers: ClinVar variation 767314 (VCV000767314.31), dbSNP rs369084808, ClinGen allele CA6545359.

ClinVar aggregate classification (germline): Likely benign. Review status: criteria provided, multiple submitters, no conflicts (2 of 4 stars). 2 submissions from 2 submitters: Likely benign (2). Last evaluated 2025-12-17.

Conditions:
Kabuki syndrome. Also called: Kabuki make-up syndrome; NIIKAWA-KUROKI SYNDROME. Identifiers: Orphanet 2322, MedGen C0796004, MONDO:0016512.

Allele frequency attached by ClinVar (database versions not stated): ExAC 0.00005; TOPMed 0.00007; gnomAD exomes 0.00008; gnomAD 0.00009; ESP Exome Variant Server 0.00032.
gnomAD v4.1: 120 of 1,610,966 alleles (0.0074%); highest among the groups gnomAD compares: Non-Finnish European, 0.01%; no homozygotes.

Submissions (2):

Labcorp Genetics (formerly Invitae), Labcorp
Classification: Likely benign for Kabuki syndrome. Last evaluated: 2025-12-17. Review status: criteria provided, single submitter. Criteria: Invitae Variant Classification Sherloc (09022015). Collection method: clinical testing. Allele origin: germline.

CeGaT Center for Human Genetics Tuebingen
Classification: Likely benign. Last evaluated: 2023-08-01. Review status: criteria provided, single submitter. Criteria: CeGaT Center For Human Genetics Tuebingen Variant Classification Criteria Version 2. Collection method: clinical testing. Allele origin: germline. Affected: yes. Observed: 1 variant allele.
Comment: KMT2D: BP4